The following is an entry in ClinVar:

NM_001379500.1(COL18A1):c.2277+14G>T

Gene: COL18A1 (collagen type XVIII alpha 1 chain; plus strand). Cytogenetic location: 21q22.3.
Variant type: single nucleotide variant.
Coding change: c.2277+14G>T on transcript NM_001379500.1 (MANE Select); 14 bases into the intron after coding-DNA position 2277, G replaced by T.
Molecular consequence: intron variant.
Genome position (GRCh38, 1-based): chr21:45,493,239, G>T. VCF-style: chr21-45493239-G-T. GRCh37 (hg19) VCF-style: chr21-46913153-G-T.
Other names: NM_130445.2:c.2277+14G>T; c.3522+14G>T (NM_130444.3); c.2817+14G>T (NM_030582.4).
Identifiers: ClinVar variation 340240 (VCV000340240.15), dbSNP rs145217573, ClinGen allele CA10066964.

ClinVar aggregate classification (germline): Benign/Likely benign. Review status: criteria provided, multiple submitters, no conflicts (2 of 4 stars). 4 submissions from 4 submitters: Benign (3); Likely benign (1). Last evaluated 2026-02-03.

Conditions:
Knobloch syndrome (KNO). Also called: RETINAL DETACHMENT AND OCCIPITAL ENCEPHALOCELE; Myopia retinal detachment encephalocele. Identifiers: Orphanet 1571, MedGen C1849409, MONDO:0800166.

Allele frequency attached by ClinVar (database versions not stated): TOPMed 0.02078; gnomAD exomes 0.02391; ESP Exome Variant Server 0.02449; gnomAD 0.02518; ExAC 0.02719; 1000 Genomes Project 0.01198; 1000 Genomes Project 30x 0.01218.
gnomAD v4.1: 51,454 of 1,553,476 alleles (3.3%); highest among the groups gnomAD compares: Middle Eastern, 4%; 1,006 homozygotes.

Submissions (4):

Labcorp Genetics (formerly Invitae), Labcorp
Classification: Benign. Last evaluated: 2026-02-03. Review status: criteria provided, single submitter. Criteria: Invitae Variant Classification Sherloc (09022015). Collection method: clinical testing. Allele origin: germline.

Blueprint Genetics
Classification: Likely benign. Last evaluated: 2024-11-28. Review status: criteria provided, single submitter. Criteria: ACMG Guidelines, 2015. Collection method: clinical testing. Allele origin: germline.

Illumina Laboratory Services, Illumina
Classification: Benign for Knobloch syndrome 1. Last evaluated: 2018-01-12. Review status: criteria provided, single submitter. Criteria: ICSL Variant Classification Criteria 13 December 2019. Collection method: clinical testing. Allele origin: germline.
Comment: This variant was observed in the ICSL laboratory as part of a predisposition screen in an ostensibly healthy population. It had not been previously curated by ICSL or reported in the Human Gene Mutation Database (HGMD: prior to June 1st, 2018), and was therefore a candidate for classification through an automated scoring system. Utilizing variant allele frequency, disease prevalence and penetrance estimates, and inheritance mode, an automated score was calculated to assess if this variant is too frequent to cause the disease. Based on the score and internal cut-off values, a variant classified as benign is not then subjected to further curation. The score for this variant resulted in a classification of benign for this disease.

Breakthrough Genomics
Classification: Benign. Review status: criteria provided, single submitter. Criteria: ACMG Guidelines, 2015. Collection method: not provided. Allele origin: germline. Inheritance: Autosomal recessive inheritance. Affected: yes.